The following is an entry in ClinVar:

NM_000452.3(SLC10A2):c.1005G>C (p.Ser335=)

Gene: SLC10A2 (solute carrier family 10 member 2; minus strand). Cytogenetic location: 13q33.1.
Variant type: single nucleotide variant.
Coding change: c.1005G>C on transcript NM_000452.3 (MANE Select); coding-DNA position 1005, G replaced by C.
Protein change: p.Ser335=; no amino-acid change (serine 335 retained).
Molecular consequence: synonymous variant.
Genome position (GRCh38, 1-based): chr13:103,046,175, C>G on the plus strand (G>C on the coding strand, the complement: SLC10A2 is on the minus strand). VCF-style: chr13-103046175-C-G. GRCh37 (hg19) VCF-style: chr13-103698525-C-G.
Other names: c.1005G>C (NM_000452.2).
Identifiers: ClinVar variation 501693 (VCV000501693.8), dbSNP rs201571450, ClinGen allele CA7041954.

ClinVar aggregate classification (germline): Conflicting classifications of pathogenicity. Review status: criteria provided, conflicting classifications (1 of 4 stars). 3 submissions from 3 submitters: Uncertain significance (1); Likely benign (2). Last evaluated 2025-10-24.

Conditions:
SLC10A2-related disorder. Also called: SLC10A2-related condition.

Allele frequency attached by ClinVar (database versions not stated): TOPMed 0.00001.
gnomAD v4.1: 19 of 1,613,922 alleles (0.0012%); highest among the groups gnomAD compares: Admixed American, 0.012%; no homozygotes.

Submissions (3):

PreventionGenetics, part of Exact Sciences
Classification: Likely benign for SLC10A2-related condition. Last evaluated: 2025-10-24. Review status: criteria provided, single submitter. Criteria: ACMG Guidelines, 2015. Collection method: clinical testing. Allele origin: germline.
Comment: This variant is classified as likely benign based on ACMG/AMP sequence variant interpretation guidelines (Richards et al. 2015 PMID: 25741868, with internal and published modifications).

Labcorp Genetics (formerly Invitae), Labcorp
Classification: Likely benign. Last evaluated: 2024-06-19. Review status: criteria provided, single submitter. Criteria: Invitae Variant Classification Sherloc (09022015). Collection method: clinical testing. Allele origin: germline.

Eurofins Ntd Llc (ga)
Classification: Uncertain significance. Last evaluated: 2017-05-02. Review status: criteria provided, single submitter. Criteria: EGL Classification Definitions 2015. Collection method: clinical testing. Allele origin: germline. Observed: 1 variant allele, 1 heterozygote.